The following is an entry in ClinVar:

NM_002633.3(PGM1):c.1599+5C>T

Gene: PGM1 (phosphoglucomutase 1; plus strand). Cytogenetic location: 1p31.3.
Variant type: single nucleotide variant.
Coding change: c.1599+5C>T on transcript NM_002633.3 (MANE Select); 5 bases into the intron after coding-DNA position 1599, C replaced by T.
Molecular consequence: intron variant.
Genome position (GRCh38, 1-based): chr1:63,654,471, C>T. VCF-style: chr1-63654471-C-T. GRCh37 (hg19) VCF-style: chr1-64120142-C-T.
Other names: c.1008+5C>T (NM_001172819.2); c.1653+5C>T (NM_001172818.1).
Identifiers: ClinVar variation 2142856 (VCV002142856.3), dbSNP rs779991522, ClinGen allele CA889907.

ClinVar aggregate classification (germline): Conflicting classifications of pathogenicity. Review status: criteria provided, conflicting classifications (1 of 4 stars). 2 submissions from 2 submitters: Uncertain significance (1); Likely benign (1). Last evaluated 2024-08-12.

Conditions:
PGM1-congenital disorder of glycosylation. Also called: Congenital disorder of glycosylation type 1t; CDG It; PHOSPHOGLUCOMUTASE 1 DEFICIENCY; PGM1 DEFICIENCY; GLYCOGEN STORAGE DISEASE XIV; GSD XIV. Identifiers: Orphanet 319646, MedGen C2752015, MONDO:0013968, OMIM 614921.

Allele frequency attached by ClinVar (database versions not stated): ExAC 0.00002; gnomAD 0.00004; gnomAD exomes 0.00005; TOPMed 0.00005.
gnomAD v4.1: 77 of 1,613,646 alleles (0.0048%); highest among the groups gnomAD compares: South Asian, 0.012%; no homozygotes.

Submissions (2):

Blueprint Genetics
Classification: Likely benign. Last evaluated: 2024-08-12. Review status: criteria provided, single submitter. Criteria: ACMG Guidelines, 2015. Collection method: clinical testing. Allele origin: germline.

Labcorp Genetics (formerly Invitae), Labcorp
Classification: Uncertain significance for PGM1-congenital disorder of glycosylation. Last evaluated: 2024-01-17. Review status: criteria provided, single submitter. Criteria: Invitae Variant Classification Sherloc (09022015). Collection method: clinical testing. Allele origin: germline.
Comment: This sequence change falls in intron 10 of the PGM1 gene. It does not directly change the encoded amino acid sequence of the PGM1 protein. It affects a nucleotide within the consensus splice site. This variant is present in population databases (rs779991522, gnomAD 0.02%). This variant has not been reported in the literature in individuals affected with PGM1-related conditions. ClinVar contains an entry for this variant (Variation ID: 2142856). Variants that disrupt the consensus splice site are a relatively common cause of aberrant splicing (PMID: 17576681, 9536098). Algorithms developed to predict the effect of sequence changes on RNA splicing suggest that this variant is not likely to affect RNA splicing. In summary, the available evidence is currently insufficient to determine the role of this variant in disease. Therefore, it has been classified as a Variant of Uncertain Significance.

Literature cited by the submitters: PubMed 17576681 (cited by Labcorp Genetics (formerly Invitae), Labcorp); PubMed 9536098 (cited by Labcorp Genetics (formerly Invitae), Labcorp).